The following is an entry in ClinVar:

ClinVar aggregate classification (germline): Uncertain significance. Review status: criteria provided, multiple submitters, no conflicts (2 of 4 stars). 2 submissions from 2 submitters: Uncertain significance (2). Last evaluated 2025-04-19.

Conditions:
Bloom syndrome (BLM). Also called: Bloom-Torre-Machacek syndrome. Identifiers: Orphanet 125, MedGen C0005859, MONDO:0008876, OMIM 210900.
Hereditary cancer-predisposing syndrome. Also called: Tumor predisposition; Hereditary neoplastic syndrome; Neoplastic Syndromes, Hereditary; Hereditary Cancer Syndrome. Identifiers: Orphanet 140162, MedGen C0027672, MeSH D009386, MONDO:0015356.

Submissions (2):

Ambry Genetics
Classification: Uncertain significance for Hereditary cancer-predisposing syndrome. Last evaluated: 2025-04-19. Review status: criteria provided, single submitter. Criteria: Ambry Variant Classification Scheme 2023. Collection method: clinical testing. Allele origin: germline.
Comment: The p.Y1024D variant (also known as c.3070T>G), located in coding exon 15 of the BLM gene, results from a T to G substitution at nucleotide position 3070. The tyrosine at codon 1024 is replaced by aspartic acid, an amino acid with highly dissimilar properties. This amino acid position is conserved. In addition, the in silico prediction for this alteration is inconclusive. Based on the available evidence, the clinical significance of this variant remains unclear.

Labcorp Genetics (formerly Invitae), Labcorp
Classification: Uncertain significance for Bloom syndrome. Last evaluated: 2025-03-23. Review status: criteria provided, single submitter. Criteria: Invitae Variant Classification Sherloc (09022015). Collection method: clinical testing. Allele origin: germline.
Comment: This sequence change replaces tyrosine, which is neutral and polar, with aspartic acid, which is acidic and polar, at codon 1024 of the BLM protein (p.Tyr1024Asp). This variant is not present in population databases (gnomAD no frequency). This variant has not been reported in the literature in individuals affected with BLM-related conditions. Invitae Evidence Modeling of protein sequence and biophysical properties (such as structural, functional, and spatial information, amino acid conservation, physicochemical variation, residue mobility, and thermodynamic stability) has been performed for this missense variant. However, the output from this modeling did not meet the statistical confidence thresholds required to predict the impact of this variant on BLM protein function. In summary, the available evidence is currently insufficient to determine the role of this variant in disease. Therefore, it has been classified as a Variant of Uncertain Significance.

NM_000057.4(BLM):c.3070T>G (p.Tyr1024Asp)

Gene: BLM (BLM RecQ like helicase; plus strand). Cytogenetic location: 15q26.1.
Variant type: single nucleotide variant.
Coding change: c.3070T>G on transcript NM_000057.4 (MANE Select); coding-DNA position 3070, T replaced by G.
Protein change: p.Tyr1024Asp; replaces tyrosine 1024 with aspartic acid.
Molecular consequence: missense variant.
Genome position (GRCh38, 1-based): chr15:90,794,217, T>G. VCF-style: chr15-90794217-T-G. GRCh37 (hg19) VCF-style: chr15-91337447-T-G.
Other names: c.3070T>G, p.Tyr1024Asp (NM_001287246.2, NM_001287247.2); c.1945T>G, p.Tyr649Asp (NM_001287248.2); short protein forms Y1024D, Y649D.
Identifiers: ClinVar variation 3991649 (VCV003991649.2).
Genomic context (GRCh38, chr15:90,794,217, plus strand): 5'-TCTCTTTTAGTGGAAAAAGATGGAAACCATCATACAAGAGAAACTCACTTCAATAATTTG[T>G]ATAGCATGGTACATTACTGTGAAAATATAACGGAATGCAGGAGAATACAGCTTTTGGCCT-3'
Protein context (NP_000048.1, residues 1014-1034): HTRETHFNNL[Tyr1024Asp]SMVHYCENIT